The following is an entry in ClinVar:

ClinVar aggregate classification (germline): Uncertain significance (1 of 4 stars; one submission).

Submission:

Ambry Genetics
Classification: Uncertain significance. Last evaluated: 2025-07-17. Review status: criteria provided, single submitter. Criteria: Ambry Variant Classification Scheme 2023. Collection method: clinical testing. Allele origin: germline.
Comment: The p.P1452A variant (also known as c.4354C>G), located in coding exon 12 of the MLH3 gene, results from a C to G substitution at nucleotide position 4354. The proline at codon 1452 is replaced by alanine, an amino acid with highly similar properties. This amino acid position is conserved. In addition, the in silico prediction for this alteration is inconclusive. Based on the available evidence, the clinical significance of this variant remains unclear.

NM_001040108.2(MLH3):c.4354C>G (p.Pro1452Ala)

Gene: MLH3 (mutL homolog 3; minus strand). Cytogenetic location: 14q24.3.
Variant type: single nucleotide variant.
Coding change: c.4354C>G on transcript NM_001040108.2 (MANE Select); coding-DNA position 4354, C replaced by G.
Protein change: p.Pro1452Ala; replaces proline 1452 with alanine.
Molecular consequence: missense variant.
Genome position (GRCh38, 1-based): chr14:75,017,090, G>C on the plus strand (C>G on the coding strand, the complement: MLH3 is on the minus strand). VCF-style: chr14-75017090-G-C. GRCh37 (hg19) VCF-style: chr14-75483793-G-C.
Other names: c.4282C>G, p.Pro1428Ala (NM_014381.3); short protein forms P1428A, P1452A.
Identifiers: ClinVar variation 4108583 (VCV004108583.1).